The following is an entry in ClinVar:

ClinVar aggregate classification (germline): Pathogenic/Likely pathogenic. Review status: criteria provided, multiple submitters, no conflicts (2 of 4 stars). 3 submissions from 3 submitters: Pathogenic (1); Likely pathogenic (1). 1 of the submissions does not count toward it. Last evaluated 2024-08-23.

Conditions:
NEB-related disorder. Also called: NEB-Related Disorders; NEB-related condition.
Nemaline myopathy 2 (NEM2). Also called: Nemaline myopathy 2, autosomal recessive. Identifiers: MedGen C1850569, MONDO:0009725, OMIM 256030.

Submissions (3):

Natera, Inc.
Classification: Likely pathogenic for Nemaline myopathy type 2. Last evaluated: 2024-08-23. Review status: criteria provided, single submitter. Criteria: Natera Variant Classification Schema (03/2026). Collection method: clinical testing. Allele origin: germline.
Comment: The c.19897del variant in NEB is a frameshift variant predicted to shift the reading frame beginning at codon 6633 and leads to a stop codon 48 codons downstream. This variant is expected to result in nonsense mediated decay, truncation, or a dysfunctional protein product. This variant is rare in the general population with a frequency below the threshold expected for the associated phenotype(s). Given the available evidence, this variant is classified as Likely Pathogenic.

Labcorp Genetics (formerly Invitae), Labcorp
Classification: Pathogenic for Nemaline myopathy 2. Last evaluated: 2022-06-03. Review status: criteria provided, single submitter. Criteria: Invitae Variant Classification Sherloc (09022015). Collection method: clinical testing. Allele origin: germline.
Comment: For these reasons, this variant has been classified as Pathogenic. ClinVar contains an entry for this variant (Variation ID: 1355816). This premature translational stop signal has been observed in individual(s) with clinical features of nemaline myopathy (PMID: 27933661). This variant is not present in population databases (gnomAD no frequency). This sequence change creates a premature translational stop signal (p.Thr6633Profs*48) in the NEB gene. It is expected to result in an absent or disrupted protein product. Loss-of-function variants in NEB are known to be pathogenic (PMID: 25205138).

PreventionGenetics, part of Exact Sciences
Classification: Pathogenic for NEB-related condition. Last evaluated: 2024-03-21. Review status: no assertion criteria provided. Collection method: clinical testing. Allele origin: germline. Not counted in ClinVar's aggregate classification.
Comment: The NEB c.19897delA variant is predicted to result in a frameshift and premature protein termination (p.Thr6633Profs*48). This variant was reported in the heterozygous state in an individual with fetal akinesia (Feingold-Zadok et al. 2017. PubMed ID: 27933661). This variant has not been reported in a large population database, indicating this variant is rare. Frameshift variants in NEB are expected to be pathogenic. This variant is interpreted as pathogenic.

Literature cited by the submitters: PubMed 27933661 (cited by Labcorp Genetics (formerly Invitae), Labcorp); PubMed 25205138 (cited by Labcorp Genetics (formerly Invitae), Labcorp).

NM_001164508.2(NEB):c.19897del (p.Thr6633fs)

Gene: NEB (nebulin; minus strand). Cytogenetic location: 2q23.3.
Variant type: Deletion.
Coding change: c.19897del on transcript NM_001164508.2 (MANE Select); coding-DNA position 19897, one base deleted (A; older notation c.19897delA).
Protein change: p.Thr6633fs; shifts the reading frame from threonine 6633.
Molecular consequence: frameshift variant.
Genome position (GRCh38, 1-based): chr2:151,551,785, T deleted on the plus strand (A on the coding strand, the reverse complement: NEB is on the minus strand); the first of 4 consecutive T bases (chr2:151,551,785-151,551,788); deleting any one gives the same sequence. VCF-style (leftmost placement, unchanged base first): chr2-151551784-GT-G. GRCh37 (hg19) VCF-style: chr2-152408298-GT-G.
Other names: c.19897delA (NM_001271208.1); c.19897del (NM_001271208.1); c.19897del, p.Thr6633fs (NM_001164507.2, NM_001271208.2); c.14794del, p.Thr4932fs (NM_004543.5); short protein forms T4932fs, T6633fs.
Identifiers: ClinVar variation 1355816 (VCV001355816.8), dbSNP rs2153647734, ClinGen allele CA2573133341.